The following is an entry in ClinVar:

NM_007215.4(POLG2):c.673C>A (p.Arg225=)

Genes: MILR1 (mast cell immunoglobulin like receptor 1; plus strand), POLG2 (DNA polymerase gamma 2, accessory subunit; minus strand). Cytogenetic location: 17q23.3.
Variant type: single nucleotide variant.
Coding change: c.673C>A on transcript NM_007215.4 (MANE Select); coding-DNA position 673, C replaced by A.
Protein change: p.Arg225=; no amino-acid change (arginine 225 retained).
Molecular consequence: synonymous variant.
Genome position (GRCh38, 1-based): chr17:64,492,911, G>T on the plus strand (C>A on the coding strand, the complement: POLG2 is on the minus strand). VCF-style: chr17-64492911-G-T. GRCh37 (hg19) VCF-style: chr17-62489028-G-T.
Other names: p.Arg225=.
Identifiers: ClinVar variation 1990504 (VCV001990504.6), dbSNP rs371515325, ClinGen allele CA8712957.

ClinVar aggregate classification (germline): Likely benign. Review status: criteria provided, multiple submitters, no conflicts (2 of 4 stars). 3 submissions from 3 submitters: Likely benign (3). Last evaluated 2025-08-27.

Allele frequency attached by ClinVar (database versions not stated): TOPMed 0.00004; ESP Exome Variant Server 0.00015.
gnomAD v4.1: 102 of 1,613,752 alleles (0.0063%); highest among the groups gnomAD compares: Non-Finnish European, 0.0083%; no homozygotes.

Submissions (3):

Mayo Clinic Laboratories, Mayo Clinic
Classification: Likely benign. Last evaluated: 2025-08-27. Review status: criteria provided, single submitter. Criteria: ACMG Guidelines, 2015. Collection method: clinical testing. Allele origin: germline. Observed: 1 variant allele.
Comment: BP4, BP7

Labcorp Genetics (formerly Invitae), Labcorp
Classification: Likely benign. Last evaluated: 2024-10-21. Review status: criteria provided, single submitter. Criteria: Invitae Variant Classification Sherloc (09022015). Collection method: clinical testing. Allele origin: germline.

Blueprint Genetics
Classification: Likely benign. Last evaluated: 2022-06-03. Review status: criteria provided, single submitter. Criteria: ACMG Guidelines, 2015. Collection method: clinical testing. Allele origin: germline.